The following is an entry in ClinVar:

ClinVar aggregate classification (germline): Uncertain significance (1 of 4 stars; one submission).

Conditions:
Cardiovascular phenotype. Identifiers: MedGen CN230736.

Allele frequency attached by ClinVar (database versions not stated): gnomAD exomes below 0.00001; gnomAD 0.00001; TOPMed 0.00001.
gnomAD v4.1: 2 of 1,550,038 alleles (0.00013%); highest among the groups gnomAD compares: South Asian, 0.0012%; no homozygotes.

Submission:

Ambry Genetics
Classification: Uncertain significance for Cardiovascular phenotype. Last evaluated: 2022-05-24. Review status: criteria provided, single submitter. Criteria: Ambry Variant Classification Scheme 2023. Collection method: clinical testing. Allele origin: germline.
Comment: The p.P3661R variant (also known as c.10982C>G), located in coding exon 2 of the ZNF469 gene, results from a C to G substitution at nucleotide position 10982. The proline at codon 3661 is replaced by arginine, an amino acid with dissimilar properties. This amino acid position is conserved. In addition, this alteration is predicted to be tolerated by in silico analysis. Since supporting evidence is limited at this time, the clinical significance of this alteration remains unclear.

NM_001367624.2(ZNF469):c.11066C>G (p.Pro3689Arg)

Gene: ZNF469 (zinc finger protein 469; plus strand). Cytogenetic location: 16q24.2.
Variant type: single nucleotide variant.
Coding change: c.11066C>G on transcript NM_001367624.2 (MANE Select); coding-DNA position 11066, C replaced by G.
Protein change: p.Pro3689Arg; replaces proline 3689 with arginine.
Molecular consequence: missense variant.
Genome position (GRCh38, 1-based): chr16:88,438,536, C>G. VCF-style: chr16-88438536-C-G. GRCh37 (hg19) VCF-style: chr16-88504944-C-G.
Other names: NM_001127464.1:c.10982C>G; short protein forms P3689R.
Identifiers: ClinVar variation 1791093 (VCV001791093.2), dbSNP rs943593777, ClinGen allele CA286387579.